The following is an entry in ClinVar:

ClinVar aggregate classification (germline): Uncertain significance (1 of 4 stars; one submission).

Submission:

GeneDx
Classification: Uncertain significance. Last evaluated: 2024-09-06. Review status: criteria provided, single submitter. Criteria: GeneDx Variant Classification Process June 2021. Collection method: clinical testing. Allele origin: germline. Affected: yes.
Comment: Not observed at significant frequency in large population cohorts (gnomAD); In silico analysis supports that this missense variant has a deleterious effect on protein structure/function; Has not been previously published as pathogenic or benign to our knowledge

NM_015015.3(KDM4B):c.818C>G (p.Pro273Arg)

Gene: KDM4B (lysine demethylase 4B; plus strand). Cytogenetic location: 19p13.3.
Variant type: single nucleotide variant.
Coding change: c.818C>G on transcript NM_015015.3 (MANE Select); coding-DNA position 818, C replaced by G.
Protein change: p.Pro273Arg; replaces proline 273 with arginine.
Molecular consequence: missense variant.
Genome position (GRCh38, 1-based): chr19:5,082,404, C>G. VCF-style: chr19-5082404-C-G. GRCh37 (hg19) VCF-style: chr19-5082415-C-G.
Other names: c.818C>G, p.Pro273Arg (NM_001370093.1, NM_001370094.1, NM_001411148.1); short protein forms P273R.
Identifiers: ClinVar variation 3767476 (VCV003767476.1).